The following is an entry in ClinVar:

ClinVar aggregate classification (germline): Uncertain significance. Review status: criteria provided, multiple submitters, no conflicts (2 of 4 stars). 3 submissions from 3 submitters: Uncertain significance (3). Last evaluated 2026-02-09.

Conditions:
Charcot-Marie-Tooth disease type 2. Also called: Charcot-Marie-Tooth type 2. Identifiers: Orphanet 64746, MedGen C0270914, MONDO:0018993.

Allele frequency attached by ClinVar (database versions not stated): gnomAD exomes 0.00001 and 0.00002; ExAC 0.00002; gnomAD 0.00003; TOPMed 0.00003.
gnomAD v4.1: 38 of 1,612,376 alleles (0.0024%); highest among the groups gnomAD compares: African/African-American, 0.0067%; no homozygotes.

Submissions (3):

GeneDx
Classification: Uncertain significance. Last evaluated: 2026-02-09. Review status: criteria provided, single submitter. Criteria: GeneDx Variant Classification Process June 2021. Collection method: clinical testing. Allele origin: germline.
Comment: Reported as a variant of uncertain significance in a study of patients with suspect Charcot-Marie-Tooth disease (PMID: 32376792); Not observed at significant frequency in large population cohorts (gnomAD); In silico analysis supports that this missense variant has a deleterious effect on protein structure/function; This variant is associated with the following publications: (PMID: 26503042, 26138142, 25168514, 32376792)

Labcorp Genetics (formerly Invitae), Labcorp
Classification: Uncertain significance for Charcot-Marie-Tooth disease type 2. Last evaluated: 2023-03-26. Review status: criteria provided, single submitter. Criteria: Invitae Variant Classification Sherloc (09022015). Collection method: clinical testing. Allele origin: germline.
Comment: This sequence change replaces threonine, which is neutral and polar, with methionine, which is neutral and non-polar, at codon 587 of the GARS protein (p.Thr587Met). This variant is present in population databases (rs750292154, gnomAD 0.003%). This missense change has been observed in individual(s) with clinical features of Charcot-Marie-Tooth disease (PMID: 32376792). ClinVar contains an entry for this variant (Variation ID: 543242). Advanced modeling of protein sequence and biophysical properties (such as structural, functional, and spatial information, amino acid conservation, physicochemical variation, residue mobility, and thermodynamic stability) performed at Invitae indicates that this missense variant is not expected to disrupt GARS protein function. In summary, the available evidence is currently insufficient to determine the role of this variant in disease. Therefore, it has been classified as a Variant of Uncertain Significance.

CeGaT Center for Human Genetics Tuebingen
Classification: Uncertain significance. Last evaluated: 2020-09-01. Review status: criteria provided, single submitter. Criteria: CeGaT Center For Human Genetics Tuebingen Variant Classification Criteria Version 2. Collection method: clinical testing. Allele origin: germline. Affected: yes. Observed: 4 variant alleles.

Literature cited by the submitters: PubMed 32376792 (cited by Labcorp Genetics (formerly Invitae), Labcorp).

NM_002047.4(GARS1):c.1760C>T (p.Thr587Met)

Gene: GARS1 (glycyl-tRNA synthetase 1; plus strand). Cytogenetic location: 7p14.3.
Variant type: single nucleotide variant.
Coding change: c.1760C>T on transcript NM_002047.4 (MANE Select); coding-DNA position 1760, C replaced by T.
Protein change: p.Thr587Met; replaces threonine 587 with methionine.
Molecular consequence: missense variant.
Genome position (GRCh38, 1-based): chr7:30,628,620, C>T. VCF-style: chr7-30628620-C-T. GRCh37 (hg19) VCF-style: chr7-30668236-C-T.
Other names: c.1598C>T, p.Thr533Met (NM_001316772.1); c.1760C>T (LRG_243t1); short protein forms T587M, T533M.
Identifiers: ClinVar variation 543242 (VCV000543242.46), dbSNP rs750292154, ClinGen allele CA4206068.